The following is an entry in ClinVar:

NM_012062.5(DNM1L):c.250+7T>A

Gene: DNM1L (dynamin 1L; plus strand). Cytogenetic location: 12p11.21.
Variant type: single nucleotide variant.
Coding change: c.250+7T>A on transcript NM_012062.5 (MANE Select); 7 bases into the intron after coding-DNA position 250, T replaced by A.
Molecular consequence: intron variant.
Genome position (GRCh38, 1-based): chr12:32,701,569, T>A. VCF-style: chr12-32701569-T-A. GRCh37 (hg19) VCF-style: chr12-32854503-T-A.
Other names: c.250+7T>A (NM_001278464.2, NM_001278465.2, NM_001330380.2 and 3 more transcripts); c.45+7T>A (NM_001278466.2).
Identifiers: ClinVar variation 514211 (VCV000514211.41), dbSNP rs374498228, ClinGen allele CA6507250.

ClinVar aggregate classification (germline): Likely benign. Review status: criteria provided, multiple submitters, no conflicts (2 of 4 stars). 3 submissions from 3 submitters: Likely benign (3). Last evaluated 2026-01-12.

Allele frequency attached by ClinVar (database versions not stated): gnomAD exomes 0.00006; ExAC 0.00008; gnomAD 0.00009 and 0.00010; TOPMed 0.00010; ESP Exome Variant Server 0.00023.
gnomAD v4.1: 244 of 1,610,296 alleles (0.015%); highest among the groups gnomAD compares: Non-Finnish European, 0.019%; no homozygotes.

Submissions (3):

Labcorp Genetics (formerly Invitae), Labcorp
Classification: Likely benign. Last evaluated: 2026-01-12. Review status: criteria provided, single submitter. Criteria: Invitae Variant Classification Sherloc (09022015). Collection method: clinical testing. Allele origin: germline.

CeGaT Center for Human Genetics Tuebingen
Classification: Likely benign. Last evaluated: 2025-09-01. Review status: criteria provided, single submitter. Criteria: CeGaT Center For Human Genetics Tuebingen Variant Classification Criteria Version 2. Collection method: clinical testing. Allele origin: germline. Affected: yes. Observed: 3 variant alleles.
Comment: DNM1L: BP4

GeneDx
Classification: Likely benign. Last evaluated: 2018-01-03. Review status: criteria provided, single submitter. Criteria: GeneDx Variant Classification (06012015). Collection method: clinical testing. Allele origin: germline. Affected: yes.
Comment: This variant is considered likely benign or benign based on one or more of the following criteria: it is a conservative change, it occurs at a poorly conserved position in the protein, it is predicted to be benign by multiple in silico algorithms, and/or has population frequency not consistent with disease.